The following is an entry in ClinVar:

NM_002661.5(PLCG2):c.2054_2054+1delinsAA

Gene: PLCG2 (phospholipase C gamma 2; plus strand). Cytogenetic location: 16q23.3.
Variant type: Indel.
Coding change: c.2054_2054+1delinsAA on transcript NM_002661.5 (MANE Select); coding-DNA position 2054 through the canonical splice donor site of the intron after coding-DNA position 2054, GG replaced by AA.
Molecular consequence: splice donor variant.
Genome position (GRCh38, 1-based): chr16:81,912,716-81,912,717, GG replaced by AA. VCF-style: chr16-81912716-GG-AA. GRCh37 (hg19) VCF-style: chr16-81946321-GG-AA.
Identifiers: ClinVar variation 1363032 (VCV001363032.6), dbSNP rs2143663578, ClinGen allele CA2573152738.

ClinVar aggregate classification (germline): Uncertain significance (1 of 4 stars; one submission).

Conditions:
Familial cold autoinflammatory syndrome 3 (FCAS3). Also called: ANTIBODY DEFICIENCY AND IMMUNE DYSREGULATION, PLCG2-ASSOCIATED; FAMILIAL ATYPICAL COLD URTICARIA. Identifiers: Orphanet 300359, MedGen C3280914, MONDO:0013766, OMIM 614468.

Submission:

Labcorp Genetics (formerly Invitae), Labcorp
Classification: Uncertain significance for Familial cold autoinflammatory syndrome 3. Last evaluated: 2021-10-08. Review status: criteria provided, single submitter. Criteria: Invitae Variant Classification Sherloc (09022015). Collection method: clinical testing. Allele origin: germline.
Comment: This variant results in the deletion of part of exon 19 of the PLCG2 gene. It is expected to disrupt RNA splicing. Variants that disrupt the donor or acceptor splice site typically lead to a loss of protein function (PMID: 16199547), however the current clinical and genetic evidence is not sufficient to establish whether loss-of-function variants in PLCG2 cause disease. In summary, the available evidence is currently insufficient to determine the role of this variant in disease. Therefore, it has been classified as a Variant of Uncertain Significance. Algorithms developed to predict the effect of sequence changes on RNA splicing suggest that this variant may disrupt the consensus splice site. This variant has been observed in individual(s) with clinical features of PLCG2-related conditions (Invitae). The frequency data for this variant in the population databases is not available, as this variant may be reported as separate entries in the ExAC database.

Literature cited by the submitters: PubMed 16199547.